The following is an entry in ClinVar:

ClinVar aggregate classification (germline): Uncertain significance (1 of 4 stars; one submission).

Submission:

Labcorp Genetics (formerly Invitae), Labcorp
Classification: Uncertain significance. Last evaluated: 2025-10-22. Review status: criteria provided, single submitter. Criteria: Invitae Variant Classification Sherloc (09022015). Collection method: clinical testing. Allele origin: germline.
Comment: This sequence change replaces threonine, which is neutral and polar, with alanine, which is neutral and non-polar, at codon 220 of the TOPORS protein (p.Thr220Ala). This variant is present in population databases (no rsID available, gnomAD 0.01%). This variant has not been reported in the literature in individuals affected with TOPORS-related conditions. An algorithm developed to predict the effect of missense changes on protein structure and function outputs the following: PolyPhen-2: "Benign". The alanine amino acid residue is found in multiple mammalian species, which suggests that this missense change does not adversely affect protein function. In summary, the available evidence is currently insufficient to determine the role of this variant in disease. Therefore, it has been classified as a Variant of Uncertain Significance.

NM_005802.5(TOPORS):c.658A>G (p.Thr220Ala)

Gene: TOPORS (TOP1 binding arginine/serine rich protein, E3 ubiquitin ligase; minus strand). Cytogenetic location: 9p21.1.
Variant type: single nucleotide variant.
Coding change: c.658A>G on transcript NM_005802.5 (MANE Select); coding-DNA position 658, A replaced by G.
Protein change: p.Thr220Ala; replaces threonine 220 with alanine.
Molecular consequence: missense variant.
Genome position (GRCh38, 1-based): chr9:32,543,867, T>C on the plus strand (A>G on the coding strand, the complement: TOPORS is on the minus strand). VCF-style: chr9-32543867-T-C. GRCh37 (hg19) VCF-style: chr9-32543865-T-C.
Other names: c.463A>G, p.Thr155Ala (NM_001195622.2); short protein forms T155A, T220A.
Identifiers: ClinVar variation 4764852 (VCV004764852.1).
Genomic context (GRCh38, chr9:32,543,867, plus strand): 5'-TTGGCCTCCTTACTGCAATCTGTCTCATAAACTGAGGAATTTCAACATCTCTAGGTCTTG[T>C]TGAAATGCCTAACCCTTCAAACAGTACTCCACTATCCGGTGGAGTTGTTGTTCTTCTGTT-3'
Protein context (NP_005793.2, residues 210-230): GVLFEGLGIS[Thr220Ala]RPRDVEIPQF